The following is an entry in ClinVar:

NM_001374504.1(TMPRSS6):c.2105G>T (p.Arg702Leu)

Gene: TMPRSS6 (transmembrane serine protease 6; minus strand). Cytogenetic location: 22q12.3.
Variant type: single nucleotide variant.
Coding change: c.2105G>T on transcript NM_001374504.1 (MANE Select); coding-DNA position 2105, G replaced by T.
Protein change: p.Arg702Leu; replaces arginine 702 with leucine.
Molecular consequence: missense variant.
Genome position (GRCh38, 1-based): chr22:37,069,081, C>A on the plus strand (G>T on the coding strand, the complement: TMPRSS6 is on the minus strand). VCF-style: chr22-37069081-C-A. GRCh37 (hg19) VCF-style: chr22-37465121-C-A.
Other names: p.Arg711Leu; c.2105G>T, p.Arg702Leu (NM_001289000.2, NM_001289001.2, NM_153609.4); c.2132G>T (NM_153609.3); short protein forms R702L.
Identifiers: ClinVar variation 341580 (VCV000341580.16), dbSNP rs115310908, ClinGen allele CA10215377.

ClinVar aggregate classification (germline): Conflicting classifications of pathogenicity. Review status: criteria provided, conflicting classifications (1 of 4 stars). 7 submissions from 7 submitters: Uncertain significance (1); Benign (2); Likely benign (3). 1 of the submissions does not count toward it. Last evaluated 2025-10-06.

Conditions:
TMPRSS6-related disorder. Also called: TMPRSS6-related condition.
Microcytic anemia. Identifiers: MedGen C5194182, MONDO:0001245, HP:0001935. Disease mechanism: loss of function.

Allele frequency attached by ClinVar (database versions not stated): ExAC 0.00210; gnomAD 0.00422 and 0.00447; ESP Exome Variant Server 0.00433; TOPMed 0.00436; 1000 Genomes Project 0.00719; 1000 Genomes Project 30x 0.00734.
gnomAD v4.1: 1,243 of 1,543,202 alleles (0.081%); highest among the groups gnomAD compares: African/African-American, 1.6%; 10 homozygotes.

Submissions (7):

Labcorp Genetics (formerly Invitae), Labcorp
Classification: Benign. Last evaluated: 2025-10-06. Review status: criteria provided, single submitter. Criteria: Invitae Variant Classification Sherloc (09022015). Collection method: clinical testing. Allele origin: germline.

Mayo Clinic Laboratories, Mayo Clinic
Classification: Likely benign. Last evaluated: 2025-06-10. Review status: criteria provided, single submitter. Criteria: ACMG Guidelines, 2015. Collection method: clinical testing. Allele origin: germline. Observed: 6 variant alleles.
Comment: BS1, BS2

Blueprint Genetics
Classification: Uncertain significance. Last evaluated: 2024-11-27. Review status: criteria provided, single submitter. Criteria: ACMG Guidelines, 2015. Collection method: clinical testing. Allele origin: germline.

Illumina Laboratory Services, Illumina
Classification: Benign for Iron-refractory iron deficiency anemia. Last evaluated: 2018-01-13. Review status: criteria provided, single submitter. Criteria: ICSL Variant Classification Criteria 13 December 2019. Collection method: clinical testing. Allele origin: germline.
Comment: This variant was observed in the ICSL laboratory as part of a predisposition screen in an ostensibly healthy population. It had not been previously curated by ICSL or reported in the Human Gene Mutation Database (HGMD: prior to June 1st, 2018), and was therefore a candidate for classification through an automated scoring system. Utilizing variant allele frequency, disease prevalence and penetrance estimates, and inheritance mode, an automated score was calculated to assess if this variant is too frequent to cause the disease. Based on the score and internal cut-off values, a variant classified as benign is not then subjected to further curation. The score for this variant resulted in a classification of benign for this disease.

Center for Pediatric Genomic Medicine, Children's Mercy Hospital and Clinics
Classification: Likely benign. Last evaluated: 2016-12-13. Review status: criteria provided, single submitter. Criteria: ACMG Guidelines, 2015. Collection method: clinical testing. Allele origin: germline.
ClinVar note: Converted during submission from Likely Benign to Likely benign.

Breakthrough Genomics
Classification: Likely benign. Review status: criteria provided, single submitter. Criteria: ACMG Guidelines, 2015. Collection method: not provided. Allele origin: germline. Inheritance: Autosomal recessive inheritance. Affected: yes.

PreventionGenetics, part of Exact Sciences
Classification: Benign for TMPRSS6-related condition. Last evaluated: 2019-04-25. Review status: no assertion criteria provided. Collection method: clinical testing. Allele origin: germline. Not counted in ClinVar's aggregate classification.
Comment: This variant is classified as benign based on ACMG/AMP sequence variant interpretation guidelines (Richards et al. 2015 PMID: 25741868, with internal and published modifications).